The following is an entry in ClinVar:

NM_000038.6(APC):c.4757A>T (p.Lys1586Met)

Gene: APC (APC regulator of Wnt signaling pathway; plus strand). Cytogenetic location: 5q22.2.
Variant type: single nucleotide variant.
Coding change: c.4757A>T on transcript NM_000038.6 (MANE Select); coding-DNA position 4757, A replaced by T.
Protein change: p.Lys1586Met; replaces lysine 1586 with methionine.
Molecular consequence: missense variant.
Genome position (GRCh38, 1-based): chr5:112,840,351, A>T. VCF-style: chr5-112840351-A-T. GRCh37 (hg19) VCF-style: chr5-112176048-A-T.
Other names: c.4379A>T, p.Lys1460Met (NM_001354904.2); c.4277A>T, p.Lys1426Met (NM_001354905.2); c.4454A>T, p.Lys1485Met (NM_001354903.2); c.3908A>T, p.Lys1303Met (NM_001354906.2); c.4757A>T, p.Lys1586Met (NM_001127510.3, NM_001354895.2); c.4703A>T, p.Lys1568Met (NM_001127511.3); c.4811A>T, p.Lys1604Met (NM_001354896.2); c.4787A>T, p.Lys1596Met (NM_001354897.2); and 5 more; short protein forms K1568M, K1586M, K1460M, K1545M, K1561M, K1604M, K1485M, K1527M.
Identifiers: ClinVar variation 231392 (VCV000231392.20), dbSNP rs778646650, ClinGen allele CA039747.

ClinVar aggregate classification (germline): Uncertain significance. Review status: criteria provided, multiple submitters, no conflicts (2 of 4 stars). 4 submissions from 4 submitters: Uncertain significance (4). Last evaluated 2024-07-03.

Conditions:
Familial adenomatous polyposis 1 (FAP1). Also called: FAMILIAL ADENOMATOUS POLYPOSIS 1, ATTENUATED; POLYPOSIS, ADENOMATOUS INTESTINAL. Identifiers: MedGen C2713442, MONDO:0021056, OMIM 175100. Disease mechanism: loss of function.
Hereditary cancer-predisposing syndrome. Also called: Neoplastic Syndromes, Hereditary; Tumor predisposition; Hereditary Cancer Syndrome; Hereditary neoplastic syndrome. Identifiers: Orphanet 140162, MedGen C0027672, MeSH D009386, MONDO:0015356.

Allele frequency attached by ClinVar (database versions not stated): gnomAD exomes below 0.00001; ExAC 0.00001; gnomAD 0.00001.
gnomAD v4.1: 1 of 1,614,086 alleles (0.000062%); highest among the groups gnomAD compares: East Asian, 0.0022%; no homozygotes.

Submissions (4):

Labcorp Genetics (formerly Invitae), Labcorp
Classification: Uncertain significance for Familial adenomatous polyposis 1. Last evaluated: 2024-07-03. Review status: criteria provided, single submitter. Criteria: Invitae Variant Classification Sherloc (09022015). Collection method: clinical testing. Allele origin: germline.
Comment: This sequence change replaces lysine, which is basic and polar, with methionine, which is neutral and non-polar, at codon 1586 of the APC protein (p.Lys1586Met). This variant is present in population databases (rs778646650, gnomAD 0.01%). This variant has not been reported in the literature in individuals affected with APC-related conditions. ClinVar contains an entry for this variant (Variation ID: 231392). Advanced modeling of protein sequence and biophysical properties (such as structural, functional, and spatial information, amino acid conservation, physicochemical variation, residue mobility, and thermodynamic stability) performed at Invitae indicates that this missense variant is not expected to disrupt APC protein function with a negative predictive value of 95%. In summary, the available evidence is currently insufficient to determine the role of this variant in disease. Therefore, it has been classified as a Variant of Uncertain Significance.

Quest Diagnostics Nichols Institute San Juan Capistrano
Classification: Uncertain significance. Last evaluated: 2024-06-26. Review status: criteria provided, single submitter. Criteria: Quest Diagnostics criteria. Collection method: clinical testing. Allele origin: unknown.
Comment: The APC c.4757A>T (p.Lys1586Met) variant has not been reported in individuals with APC-related conditions in the published literature. The frequency of this variant in the general population, 0.0000071 (2/282466 chromosomes (Genome Aggregation Database)), is uninformative in the assessment of its pathogenicity. Analysis of this variant using bioinformatics tools for the prediction of the effect of amino acid changes on protein structure and function yielded predictions that this variant is damaging. Based on the available information, we are unable to determine the clinical significance of this variant.

Ambry Genetics
Classification: Uncertain significance for Hereditary cancer-predisposing syndrome. Last evaluated: 2024-05-31. Review status: criteria provided, single submitter. Criteria: Ambry Variant Classification Scheme 2023. Collection method: clinical testing. Allele origin: germline.
Comment: The p.K1586M variant (also known as c.4757A>T), located in coding exon 15 of the APC gene, results from an A to T substitution at nucleotide position 4757. The lysine at codon 1586 is replaced by methionine, an amino acid with similar properties. This amino acid position is well conserved in available vertebrate species. In addition, in silico predictors for this gene do not accurately predict pathogenicity. Since supporting evidence is limited at this time, the clinical significance of this alteration remains unclear.

Color Diagnostics, LLC DBA Color Health
Classification: Uncertain significance for Hereditary cancer-predisposing syndrome. Last evaluated: 2019-05-31. Review status: criteria provided, single submitter. Criteria: ACMG Guidelines, 2015. Collection method: clinical testing. Allele origin: germline.